The following is an entry in ClinVar:

NM_001035.3(RYR2):c.11509T>A (p.Cys3837Ser)

Gene: RYR2 (ryanodine receptor 2; plus strand). Cytogenetic location: 1q43.
Variant type: single nucleotide variant.
Coding change: c.11509T>A on transcript NM_001035.3 (MANE Select); coding-DNA position 11509, T replaced by A.
Protein change: p.Cys3837Ser; replaces cysteine 3837 with serine.
Molecular consequence: missense variant.
Genome position (GRCh38, 1-based): chr1:237,770,839, T>A. VCF-style: chr1-237770839-T-A. GRCh37 (hg19) VCF-style: chr1-237934139-T-A.
Other names: short protein forms C3837S.
Identifiers: ClinVar variation 1733916 (VCV001733916.2), dbSNP rs2527596765, ClinGen allele CA345406690.

ClinVar aggregate classification (germline): Uncertain significance (1 of 4 stars; one submission).

Conditions:
Cardiovascular phenotype. Identifiers: MedGen CN230736.

Submission:

Ambry Genetics
Classification: Uncertain significance for Cardiovascular phenotype. Last evaluated: 2021-04-26. Review status: criteria provided, single submitter. Criteria: Ambry Variant Classification Scheme 2023. Collection method: clinical testing. Allele origin: germline.
Comment: The p.C3837S variant (also known as c.11509T>A), located in coding exon 85 of the RYR2 gene, results from a T to A substitution at nucleotide position 11509. The cysteine at codon 3837 is replaced by serine, an amino acid with dissimilar properties. This amino acid position is highly conserved in available vertebrate species. In addition, this alteration is predicted to be deleterious by in silico analysis. Since supporting evidence is limited at this time, the clinical significance of this alteration remains unclear.